The following is an entry in ClinVar:

NM_053025.4(MYLK):c.1016A>G (p.Gln339Arg)

Gene: MYLK (myosin light chain kinase; minus strand). Cytogenetic location: 3q21.1.
Variant type: single nucleotide variant.
Coding change: c.1016A>G on transcript NM_053025.4 (MANE Select); coding-DNA position 1016, A replaced by G.
Protein change: p.Gln339Arg; replaces glutamine 339 with arginine.
Molecular consequence: missense variant.
Genome position (GRCh38, 1-based): chr3:123,733,980, T>C on the plus strand (A>G on the coding strand, the complement: MYLK is on the minus strand). VCF-style: chr3-123733980-T-C. GRCh37 (hg19) VCF-style: chr3-123452827-T-C.
Other names: c.488A>G, p.Gln163Arg (NM_001321309.2); c.1016A>G, p.Gln339Arg (NM_053026.4, NM_053027.4, NM_053028.4); short protein forms Q339R, Q163R.
Identifiers: ClinVar variation 1357052 (VCV001357052.10), dbSNP rs2108792544, ClinGen allele CA354239673.

ClinVar aggregate classification (germline): Uncertain significance. Review status: criteria provided, multiple submitters, no conflicts (2 of 4 stars). 2 submissions from 2 submitters: Uncertain significance (2). Last evaluated 2022-08-20.

Conditions:
Aortic aneurysm, familial thoracic 7 (AAT7). Also called: AORTIC DISSECTION, FAMILIAL, WITH OR WITHOUT AORTIC ANEURYSM. Identifiers: MedGen C3151077, MONDO:0013418, OMIM 613780.
Familial thoracic aortic aneurysm and aortic dissection (TAAD). Also called: Thoracic aortic aneurysms and dissections. Identifiers: Orphanet 91387, MedGen C4707243, MONDO:0019625.

Allele frequency attached by ClinVar (database versions not stated): gnomAD exomes below 0.00001.
gnomAD v4.1: 6 of 1,614,166 alleles (0.00037%); highest among the groups gnomAD compares: Non-Finnish European, 0.00051%; no homozygotes.

Submissions (2):

Ambry Genetics
Classification: Uncertain significance for Familial thoracic aortic aneurysm and aortic dissection. Last evaluated: 2022-08-20. Review status: criteria provided, single submitter. Criteria: Ambry Variant Classification Scheme 2023. Collection method: clinical testing. Allele origin: germline.
Comment: The p.Q339R variant (also known as c.1016A>G), located in coding exon 7 of the MYLK gene, results from an A to G substitution at nucleotide position 1016. The glutamine at codon 339 is replaced by arginine, an amino acid with highly similar properties. This amino acid position is conserved. In addition, this alteration is predicted to be tolerated by in silico analysis. Since supporting evidence is limited at this time, the clinical significance of this alteration remains unclear.

Labcorp Genetics (formerly Invitae), Labcorp
Classification: Uncertain significance for Aortic aneurysm, familial thoracic 7. Last evaluated: 2022-07-19. Review status: criteria provided, single submitter. Criteria: Invitae Variant Classification Sherloc (09022015). Collection method: clinical testing. Allele origin: germline.
Comment: In summary, the available evidence is currently insufficient to determine the role of this variant in disease. Therefore, it has been classified as a Variant of Uncertain Significance. Advanced modeling of protein sequence and biophysical properties (such as structural, functional, and spatial information, amino acid conservation, physicochemical variation, residue mobility, and thermodynamic stability) performed at Invitae indicates that this missense variant is not expected to disrupt MYLK protein function. ClinVar contains an entry for this variant (Variation ID: 1357052). This variant has not been reported in the literature in individuals affected with MYLK-related conditions. This variant is not present in population databases (gnomAD no frequency). This sequence change replaces glutamine, which is neutral and polar, with arginine, which is basic and polar, at codon 339 of the MYLK protein (p.Gln339Arg).